The following is an entry in ClinVar:

NM_000435.3(NOTCH3):c.1920C>T (p.Arg640=)

Gene: NOTCH3 (notch receptor 3; minus strand). Cytogenetic location: 19p13.12.
Variant type: single nucleotide variant.
Coding change: c.1920C>T on transcript NM_000435.3 (MANE Select); coding-DNA position 1920, C replaced by T.
Protein change: p.Arg640=; no amino-acid change (arginine 640 retained).
Molecular consequence: synonymous variant.
Genome position (GRCh38, 1-based): chr19:15,186,909, G>A on the plus strand (C>T on the coding strand, the complement: NOTCH3 is on the minus strand). VCF-style: chr19-15186909-G-A. GRCh37 (hg19) VCF-style: chr19-15297720-G-A.
Identifiers: ClinVar variation 447801 (VCV000447801.8), dbSNP rs140818133, ClinGen allele CA9263504.

ClinVar aggregate classification (germline): Likely benign. Review status: criteria provided, multiple submitters, no conflicts (2 of 4 stars). 3 submissions from 3 submitters: Likely benign (3). Last evaluated 2022-12-27.

Conditions:
Cerebral arteriopathy, autosomal dominant, with subcortical infarcts and leukoencephalopathy, type 1 (CADASIL1). Also called: DEMENTIA, HEREDITARY MULTIINFARCT TYPE; CASIL; Cerebral arteriopathy with subcortical infarcts and leukoencephalopathy 1; CADASIL 1. Identifiers: Orphanet 136, MedGen C4551768, MONDO:0000914, OMIM 125310.

Allele frequency attached by ClinVar (database versions not stated): ExAC 0.00002; gnomAD exomes 0.00004 and 0.00013; TOPMed 0.00004; gnomAD 0.00005 and 0.00006; ESP Exome Variant Server 0.00008.
gnomAD v4.1: 203 of 1,614,102 alleles (0.013%); highest among the groups gnomAD compares: Non-Finnish European, 0.016%; no homozygotes.

Submissions (3):

Labcorp Genetics (formerly Invitae), Labcorp
Classification: Likely benign. Last evaluated: 2022-12-27. Review status: criteria provided, single submitter. Criteria: Invitae Variant Classification Sherloc (09022015). Collection method: clinical testing. Allele origin: germline.

Illumina Laboratory Services, Illumina
Classification: Likely benign for Cerebral arteriopathy, autosomal dominant, with subcortical infarcts and leukoencephalopathy, type 1. Last evaluated: 2018-01-13. Review status: criteria provided, single submitter. Criteria: ICSL Variant Classification Criteria 13 December 2019. Collection method: clinical testing. Allele origin: germline.
Comment: This variant was observed in the ICSL laboratory as part of a predisposition screen in an ostensibly healthy population. It had not been previously curated by ICSL or reported in the Human Gene Mutation Database (HGMD: prior to June 1st, 2018), and was therefore a candidate for classification through an automated scoring system. Utilizing variant allele frequency, disease prevalence and penetrance estimates, and inheritance mode, an automated score was calculated to assess if this variant is too frequent to cause the disease. Based on the score and internal cut-off values, a variant classified as likely benign is not then subjected to further curation. The score for this variant resulted in a classification of likely benign for this disease.

Athena Diagnostics
Classification: Likely benign. Last evaluated: 2016-10-31. Review status: criteria provided, single submitter. Criteria: Athena Diagnostics Criteria. Collection method: clinical testing. Allele origin: germline.